The following is an entry in ClinVar:

NM_014921.5(ADGRL1):c.4405C>T (p.Leu1469Phe)

Genes: ADGRL1 (adhesion G protein-coupled receptor L1; minus strand), ADGRL1-AS1 (ADGRL1 antisense RNA 1; plus strand). Cytogenetic location: 19p13.12.
Variant type: single nucleotide variant.
Coding change: c.4405C>T on transcript NM_014921.5 (MANE Select); coding-DNA position 4405, C replaced by T.
Protein change: p.Leu1469Phe; replaces leucine 1469 with phenylalanine.
Molecular consequence: missense variant.
Genome position (GRCh38, 1-based): chr19:14,150,878, G>A on the plus strand (C>T on the coding strand, the complement: ADGRL1 is on the minus strand). VCF-style: chr19-14150878-G-A. GRCh37 (hg19) VCF-style: chr19-14261690-G-A.
Other names: c.4420C>T, p.Leu1474Phe (NM_001008701.3); short protein forms L1469F, L1474F.
Identifiers: ClinVar variation 5005944 (VCV005005944.2).

ClinVar aggregate classification (germline): Uncertain significance (1 of 4 stars; one submission).

Conditions:
Developmental delay, behavioral abnormalities, and neuropsychiatric disorders (DEDBANP). Identifiers: MedGen C5774224, MONDO:0859292, OMIM 620065.

gnomAD v4.1: 2 of 1,611,926 alleles (0.00012%); highest among the groups gnomAD compares: African/African-American, 0.0013%; no homozygotes.

Submission:

Juno Genomics, Hangzhou Juno Genomics, Inc
Classification: Uncertain significance for Developmental delay, behavioral abnormalities, and neuropsychiatric disorders. Review status: criteria provided, single submitter. Criteria: ACMG Guidelines, 2015. Collection method: clinical testing. Allele origin: germline.
Comment: Absent from controls (or at extremely low frequency if recessive) in Genome Aggregation Database.;Multiple lines of computational evidence support a deleterious effect on the gene or gene product.